The following is an entry in ClinVar:

NM_004484.4(GPC3):c.658T>C (p.Ser220Pro)

Gene: GPC3 (glypican 3; minus strand). Cytogenetic location: Xq26.2.
Variant type: single nucleotide variant.
Coding change: c.658T>C on transcript NM_004484.4 (MANE Select); coding-DNA position 658, T replaced by C.
Protein change: p.Ser220Pro; replaces serine 220 with proline.
Molecular consequence: missense variant.
Genome position (GRCh38, 1-based): chrX:133,753,856, A>G on the plus strand (T>C on the coding strand, the complement: GPC3 is on the minus strand). VCF-style: chrX-133753856-A-G. GRCh37 (hg19) VCF-style: chrX-132887883-A-G.
Other names: c.658T>C, p.Ser220Pro (NM_001164617.2); c.610T>C, p.Ser204Pro (NM_001164618.2); c.496T>C, p.Ser166Pro (NM_001164619.2); short protein forms S204P, S220P, S166P.
Identifiers: ClinVar variation 2010346 (VCV002010346.5), dbSNP rs2521356100, ClinGen allele CA414706140.
Genomic context (GRCh38, chrX:133,753,856, plus strand): 5'-TCACTTCAATTCCAAGATTCAGAGCCTGAAGGAAGATCCTAGTGACTTGCAGTGACTTGG[A>G]AACCTGGGTCATAATAAGCTTGGGGAAATTCCCAAATACTTTCAGGTCACGTCTTGCTCC-3'
Protein context (NP_004475.1, residues 210-230): NFPKLIMTQV[Ser220Pro]KSLQVTRIFL

ClinVar aggregate classification (germline): Uncertain significance. Review status: criteria provided, multiple submitters, no conflicts (2 of 4 stars). 2 submissions from 2 submitters: Uncertain significance (2). Last evaluated 2025-11-24.

Conditions:
Wilms tumor 1 (WT1). Also called: Wilms tumor, somatic. Identifiers: Orphanet 654, MedGen CN033288, MONDO:0008679, OMIM 194070.
Inborn genetic diseases. Identifiers: MedGen C0950123, MeSH D030342.

Allele frequency attached by ClinVar (database versions not stated): gnomAD exomes below 0.00001.
gnomAD v4.1: 1 of 1,211,797 alleles (0.000083%); highest among the groups gnomAD compares: East Asian, 0.003%; no homozygotes.

Submissions (2):

Ambry Genetics
Classification: Uncertain significance for Inborn genetic diseases. Last evaluated: 2025-11-24. Review status: criteria provided, single submitter. Criteria: Ambry Variant Classification Scheme 2023. Collection method: clinical testing. Allele origin: germline.

Labcorp Genetics (formerly Invitae), Labcorp
Classification: Uncertain significance for Wilms tumor 1. Last evaluated: 2022-06-24. Review status: criteria provided, single submitter. Criteria: Invitae Variant Classification Sherloc (09022015). Collection method: clinical testing. Allele origin: germline.
Comment: In summary, the available evidence is currently insufficient to determine the role of this variant in disease. Therefore, it has been classified as a Variant of Uncertain Significance. Algorithms developed to predict the effect of missense changes on protein structure and function are either unavailable or do not agree on the potential impact of this missense change (SIFT: "Tolerated"; PolyPhen-2: "Probably Damaging"; Align-GVGD: "Class C0"). This variant has not been reported in the literature in individuals affected with GPC3-related conditions. This variant is not present in population databases (gnomAD no frequency). This sequence change replaces serine, which is neutral and polar, with proline, which is neutral and non-polar, at codon 220 of the GPC3 protein (p.Ser220Pro).